The following is an entry in ClinVar:

NM_000329.3(RPE65):c.903T>C (p.Asn301=)

Gene: RPE65 (retinoid isomerohydrolase RPE65; minus strand). Cytogenetic location: 1p31.3.
Variant type: single nucleotide variant.
Coding change: c.903T>C on transcript NM_000329.3 (MANE Select); coding-DNA position 903, T replaced by C.
Protein change: p.Asn301=; no amino-acid change (asparagine 301 retained).
Molecular consequence: synonymous variant.
Genome position (GRCh38, 1-based): chr1:68,439,037, A>G on the plus strand (T>C on the coding strand, the complement: RPE65 is on the minus strand). VCF-style: chr1-68439037-A-G. GRCh37 (hg19) VCF-style: chr1-68904720-A-G.
Other names: NM_000329.3:c.903T>C; c.795T>C, p.Asn265= (NM_001406853.1); c.627T>C, p.Asn209= (NM_001406856.1, NM_001406857.1); c.903T>C, p.Asn301= (NM_001406859.1).
Identifiers: ClinVar variation 3024115 (VCV003024115.1), dbSNP rs2523425458, ClinGen allele CA418279967.

ClinVar aggregate classification (germline): Likely benign (3 of 4 stars; one submission).

Conditions:
RPE65-related recessive retinopathy. Also called: Recessive RPE65 retinopathy. Identifiers: MedGen CN305526, MONDO:0100368.

Submission:

ClinGen Leber Congenital Amaurosis/early Onset Retinal Dystrophy Variant Curation Expert Panel, ClinGen
Classification: Likely benign for RPE65-related recessive retinopathy. Last evaluated: 2024-02-20. Review status: reviewed by expert panel. Criteria: ClinGen LCAeoRD ACMG Specifications RPE65 V1.0.0. Collection method: curation. Allele origin: germline. Inheritance: Autosomal recessive inheritance.
Comment: NM_000329.3(RPE65):c.903T>C (p.Asn301=) is a synonymous variant in codon 301 that is located near the center of exon 9. This variant is absent from gnomAD v2.1.1 (PM2_Supporting). The splicing impact predictor SpliceAI gives a delta score of 0.01 for donor gain, which is below the ClinGen LCA / eoRD VCEP recommended threshold of <0.1 and does not predict an impact on splicing (BP4, BP7). In summary, this variant meets the criteria to be classified as likely benign for RPE65-related recessive retinopathy based on the ACMG/AMP criteria applied, as specified by the ClinGen LCA / eoRD VCEP: PM2_supporting, BP4, and BP7. (VCEP specifications version 1.0.0; date of approval 09/21/2023).